The following is an entry in ClinVar:

NM_004415.4(DSP):c.4373G>T (p.Arg1458Leu)

Gene: DSP (desmoplakin; plus strand). Cytogenetic location: 6p24.3.
Variant type: single nucleotide variant.
Coding change: c.4373G>T on transcript NM_004415.4 (MANE Select); coding-DNA position 4373, G replaced by T.
Protein change: p.Arg1458Leu; replaces arginine 1458 with leucine.
Molecular consequence: missense variant. On other transcripts: intron variant (2).
Genome position (GRCh38, 1-based): chr6:7,580,563, G>T. VCF-style: chr6-7580563-G-T. GRCh37 (hg19) VCF-style: chr6-7580796-G-T.
Other names: c.4050+323G>T (NM_001319034.2); c.3582+791G>T (NM_001008844.3); short protein forms R1458L.
Identifiers: ClinVar variation 971397 (VCV000971397.11), dbSNP rs370063434, ClinGen allele CA133969622.

ClinVar aggregate classification (germline): Conflicting classifications of pathogenicity. Review status: criteria provided, conflicting classifications (1 of 4 stars). 2 submissions from 2 submitters: Uncertain significance (1); Likely benign (1). Last evaluated 2024-06-09.

Conditions:
Arrhythmogenic cardiomyopathy with wooly hair and keratoderma. Also called: Carvajal syndrome; PALMOPLANTAR KERATODERMA WITH LEFT VENTRICULAR CARDIOMYOPATHY AND WOOLLY HAIR; Arrhythmogenic cardiomyopathy with woolly hair and keratoderma; Dilated cardiomyopathy with woolly hair and keratoderma. Identifiers: Orphanet 65282, MedGen C1854063, MONDO:0011581, OMIM 605676.
Arrhythmogenic right ventricular dysplasia 8 (ARVD8). Also called: Arrhythmogenic Right Ventricular Dysplasia/Cardiomyopathy 8; ARRHYTHMOGENIC RIGHT VENTRICULAR DYSPLASIA, FAMILIAL, 8; ARRHYTHMOGENIC RIGHT VENTRICULAR CARDIOMYOPATHY 8. Identifiers: MedGen C1843896, MONDO:0011831, OMIM 607450.

gnomAD v4.1: 3 of 1,613,978 alleles (0.00019%); highest among the groups gnomAD compares: African/African-American, 0.004%; no homozygotes.

Submissions (2):

All of Us Research Program, National Institutes of Health
Classification: Uncertain significance for Arrhythmogenic cardiomyopathy with wooly hair and keratoderma. Last evaluated: 2024-06-09. Review status: criteria provided, single submitter. Criteria: ACMG Guidelines, 2015. Collection method: clinical testing. Allele origin: germline. Inheritance: Autosomal dominant inheritance. Observed: 1 variant allele, 1 heterozygote.
Comment: This missense variant replaces arginine with leucine at codon 1458 of the DSP protein. Computational prediction suggests that this variant may not impact protein structure and function (internally defined REVEL score threshold <= 0.5, PMID: 27666373). To our knowledge, functional studies have not been reported for this variant. This variant has not been reported in individuals affected with DSP-related disorders in the literature. This variant has been identified in 1/31388 chromosomes in the general population by the Genome Aggregation Database (gnomAD). The available evidence is insufficient to determine the role of this variant in disease conclusively. Therefore, this variant is classified as a Variant of Uncertain Significance.

This study involves interpretation of variants in research participants for the purpose of population health screening. Participant phenotype was not available at the time of variant classification. Additional details can be found in publication PMID: 35346344, PMCID: PMC8962531

Labcorp Genetics (formerly Invitae), Labcorp
Classification: Likely benign for Arrhythmogenic cardiomyopathy with wooly hair and keratoderma; Arrhythmogenic right ventricular dysplasia 8. Last evaluated: 2024-01-22. Review status: criteria provided, single submitter. Criteria: Invitae Variant Classification Sherloc (09022015). Collection method: clinical testing. Allele origin: germline.